The following is an entry in ClinVar:

ClinVar aggregate classification (germline): Benign/Likely benign. Review status: criteria provided, multiple submitters, no conflicts (2 of 4 stars). 10 submissions from 9 submitters: Benign (2); Likely benign (7). 1 of the submissions does not count toward it. Last evaluated 2026-06-01.

Conditions:
Inborn genetic diseases. Identifiers: MedGen C0950123, MeSH D030342.
Cerebral cavernous malformation (CCM). Also called: CAVERNOUS ANGIOMA, FAMILIAL; CAVERNOUS ANGIOMATOUS MALFORMATIONS; CEREBRAL CAPILLARY MALFORMATIONS; Cerebral cavernous hemangioma (type); Cerebral cavernous malformations; Cavernous Hemangioma of Brain. Identifiers: Orphanet 221061, MedGen C2919945, MONDO:0000820, OMIM 116860, HP:0033522.
Angiokeratoma corporis diffusum with arteriovenous fistulas. Identifiers: MedGen C1838141, MONDO:0010885, OMIM 600419.

Allele frequency attached by ClinVar (database versions not stated): 1000 Genomes Project 0.00040; 1000 Genomes Project 30x 0.00047; TOPMed 0.00071; ESP Exome Variant Server 0.00115; gnomAD 0.00189 and 0.00194; ExAC 0.00224; gnomAD exomes 0.00239.
gnomAD v4.1: 2,459 of 1,543,714 alleles (0.16%); highest among the groups gnomAD compares: Non-Finnish European, 0.12%; 10 homozygotes.

Submissions (10):

CeGaT Center for Human Genetics Tuebingen
Classification: Likely benign. Last evaluated: 2026-06-01. Review status: criteria provided, single submitter. Criteria: CeGaT Center For Human Genetics Tuebingen Variant Classification Criteria Version 2. Collection method: clinical testing. Allele origin: germline. Affected: yes. Observed: 1 variant allele.
Comment: KRIT1: BP4, BS1

Labcorp Genetics (formerly Invitae), Labcorp
Classification: Benign for Cerebral cavernous malformation. Last evaluated: 2025-11-04. Review status: criteria provided, single submitter. Criteria: Invitae Variant Classification Sherloc (09022015). Collection method: clinical testing. Allele origin: germline.

Mayo Clinic Laboratories, Mayo Clinic
Classification: Likely benign. Last evaluated: 2025-10-29. Review status: criteria provided, single submitter. Criteria: ACMG Guidelines, 2015. Collection method: clinical testing. Allele origin: germline. Observed: 2 variant alleles.
Comment: BS1, BP4

Blueprint Genetics
Classification: Likely benign. Last evaluated: 2024-11-27. Review status: criteria provided, single submitter. Criteria: ACMG Guidelines, 2015. Collection method: clinical testing. Allele origin: germline.

Ambry Genetics
Classification: Likely benign for Inborn genetic diseases. Last evaluated: 2021-11-15. Review status: criteria provided, single submitter. Criteria: Ambry Variant Classification Scheme 2023. Collection method: clinical testing. Allele origin: germline.

Illumina Laboratory Services, Illumina
Classification: Benign for Angiokeratoma corporis diffusum with arteriovenous fistulas. Last evaluated: 2018-01-13. Review status: criteria provided, single submitter. Criteria: ICSL Variant Classification Criteria 13 December 2019. Collection method: clinical testing. Allele origin: germline.
Comment: This variant was observed in the ICSL laboratory as part of a predisposition screen in an ostensibly healthy population. It had not been previously curated by ICSL or reported in the Human Gene Mutation Database (HGMD: prior to June 1st, 2018), and was therefore a candidate for classification through an automated scoring system. Utilizing variant allele frequency, disease prevalence and penetrance estimates, and inheritance mode, an automated score was calculated to assess if this variant is too frequent to cause the disease. Based on the score and internal cut-off values, a variant classified as benign is not then subjected to further curation. The score for this variant resulted in a classification of benign for this disease.

Illumina Laboratory Services, Illumina
Classification: Likely benign for Cerebral cavernous malformation. Last evaluated: 2018-01-13. Review status: criteria provided, single submitter. Criteria: ICSL Variant Classification Criteria 13 December 2019. Collection method: clinical testing. Allele origin: germline.
Comment: This variant was observed in the ICSL laboratory as part of a predisposition screen in an ostensibly healthy population. It had not been previously curated by ICSL or reported in the Human Gene Mutation Database (HGMD: prior to June 1st, 2018), and was therefore a candidate for classification through an automated scoring system. Utilizing variant allele frequency, disease prevalence and penetrance estimates, and inheritance mode, an automated score was calculated to assess if this variant is too frequent to cause the disease. Based on the score and internal cut-off values, a variant classified as likely benign is not then subjected to further curation. The score for this variant resulted in a classification of likely benign for this disease.

PreventionGenetics, part of Exact Sciences
Classification: Likely benign. Last evaluated: 2016-07-10. Review status: criteria provided, single submitter. Criteria: ACMG Guidelines, 2015. Collection method: clinical testing. Allele origin: germline.

Genome Diagnostics Laboratory, University Medical Center Utrecht
Classification: Likely benign for Cerebral cavernous malformation. Last evaluated: 2014-10-09. Review status: criteria provided, single submitter. Criteria: ACGS Guidelines, 2013. Collection method: clinical testing. Allele origin: germline. Affected: yes. Study: VKGL Data-share Consensus.

Clinical Genetics, Academic Medical Center
Classification: Benign. Review status: no assertion criteria provided. Collection method: clinical testing. Allele origin: germline. Affected: yes. Study: VKGL Data-share Consensus. Not counted in ClinVar's aggregate classification.

NM_194454.3(KRIT1):c.1245T>G (p.Ile415Met)

Gene: KRIT1 (KRIT1 ankyrin repeat containing; minus strand). Cytogenetic location: 7q21.2.
Variant type: single nucleotide variant.
Coding change: c.1245T>G on transcript NM_194454.3 (MANE Select); coding-DNA position 1245, T replaced by G.
Protein change: p.Ile415Met; replaces isoleucine 415 with methionine.
Molecular consequence: missense variant.
Genome position (GRCh38, 1-based): chr7:92,225,729, A>C on the plus strand (T>G on the coding strand, the complement: KRIT1 is on the minus strand). VCF-style: chr7-92225729-A-C. GRCh37 (hg19) VCF-style: chr7-91855043-A-C.
Other names: p.Ile415Met; c.1101T>G, p.Ile367Met (NM_001013406.2, NM_001350669.1, NM_001350670.1); c.531T>G, p.Ile177Met (NM_001350671.1); c.1245T>G, p.Ile415Met (NM_001350672.1, NM_001350673.1, NM_001350674.1 and 26 more transcripts); short protein forms I415M, I177M, I367M.
Identifiers: ClinVar variation 360884 (VCV000360884.23), dbSNP rs41278788, ClinGen allele CA4339171.